The following is an entry in ClinVar:

NM_170707.4(LMNA):c.832G>C (p.Ala278Pro)

Gene: LMNA (lamin A/C; plus strand). Cytogenetic location: 1q22.
Variant type: single nucleotide variant.
Coding change: c.832G>C on transcript NM_170707.4 (MANE Select); coding-DNA position 832, G replaced by C.
Protein change: p.Ala278Pro; replaces alanine 278 with proline.
Molecular consequence: missense variant.
Genome position (GRCh38, 1-based): chr1:156,135,208, G>C. VCF-style: chr1-156135208-G-C. GRCh37 (hg19) VCF-style: chr1-156104999-G-C.
Other names: c.496G>C, p.Ala166Pro (NM_001257374.3); c.589G>C, p.Ala197Pro (NM_001282624.2); c.832G>C, p.Ala278Pro (NM_001282625.2, NM_001282626.2, NM_005572.4 and 1 more transcripts); short protein forms A278P, A197P, A166P.
Identifiers: ClinVar variation 435769 (VCV000435769.14), dbSNP rs1553265433, ClinGen allele CA342817513.

ClinVar aggregate classification (germline): Pathogenic. Review status: criteria provided, multiple submitters, no conflicts (2 of 4 stars). 2 submissions from 2 submitters: Pathogenic (2). Last evaluated 2022-11-08.

Conditions:
Muscular dystrophy. Identifiers: Orphanet 98473, MedGen C0026850, MeSH D009136, MONDO:0020121, HP:0003560.
Charcot-Marie-Tooth disease type 2. Also called: Charcot-Marie-Tooth type 2. Identifiers: Orphanet 64746, MedGen C0270914, MONDO:0018993.

Submissions (2):

Labcorp Genetics (formerly Invitae), Labcorp
Classification: Pathogenic for Charcot-Marie-Tooth disease type 2. Last evaluated: 2022-11-08. Review status: criteria provided, single submitter. Criteria: Invitae Variant Classification Sherloc (09022015). Collection method: clinical testing. Allele origin: germline.
Comment: Advanced modeling of protein sequence and biophysical properties (such as structural, functional, and spatial information, amino acid conservation, physicochemical variation, residue mobility, and thermodynamic stability) performed at Invitae indicates that this missense variant is expected to disrupt LMNA protein function. For these reasons, this variant has been classified as Pathogenic. This variant disrupts the p.Ala278 amino acid residue in LMNA. Other variant(s) that disrupt this residue have been determined to be pathogenic (PMID: 32571898). This suggests that this residue is clinically significant, and that variants that disrupt this residue are likely to be disease-causing. ClinVar contains an entry for this variant (Variation ID: 435769). This missense change has been observed in individual(s) with clinical features of autosomal dominant Emery-Dreifuss muscular dystrophy (PMID: 26098624, 27708273; Invitae). In at least one individual the variant was observed to be de novo. This variant is not present in population databases (gnomAD no frequency). This sequence change replaces alanine, which is neutral and non-polar, with proline, which is neutral and non-polar, at codon 278 of the LMNA protein (p.Ala278Pro).

Genetic Services Laboratory, University of Chicago
Classification: Pathogenic for Muscular dystrophy. Last evaluated: 2013-02-08. Review status: criteria provided, single submitter. Criteria: ACMG Guidelines, 2007. Collection method: clinical testing. Allele origin: germline. Affected: yes.

Literature cited by the submitters: PubMed 32571898 (cited by Labcorp Genetics (formerly Invitae), Labcorp); PubMed 26098624 (cited by Labcorp Genetics (formerly Invitae), Labcorp); PubMed 27708273 (cited by Labcorp Genetics (formerly Invitae), Labcorp).